The following is an entry in ClinVar:

ClinVar aggregate classification (germline): Benign. Review status: criteria provided, multiple submitters, no conflicts (2 of 4 stars). 4 submissions from 4 submitters: Benign (3). 1 of the submissions does not count toward it. Last evaluated 2021-04-12.

Conditions:
BSCL2-related disorder. Also called: BSCL2-related condition; BSCL2-Related Disorders.

Allele frequency attached by ClinVar (database versions not stated): 1000 Genomes Project 30x 0.04216; gnomAD exomes 0.00351 and 0.00972; gnomAD 0.03723 and 0.03990; ESP Exome Variant Server 0.04176; 1000 Genomes Project 0.03994; ExAC 0.01177; TOPMed 0.04052.
gnomAD v4.1: 10,959 of 1,613,710 alleles (0.68%); highest among the groups gnomAD compares: African/African-American, 13%; 632 homozygotes.

Submissions (4):

Mayo Clinic Laboratories, Mayo Clinic
Classification: Benign. Last evaluated: 2021-04-12. Review status: criteria provided, single submitter. Criteria: ACMG Guidelines, 2015. Collection method: clinical testing. Allele origin: germline. Observed: 22 variant alleles.

GeneDx
Classification: Benign. Last evaluated: 2018-08-03. Review status: criteria provided, single submitter. Criteria: GeneDx Variant Classification Process June 2021. Collection method: clinical testing. Allele origin: germline. Affected: yes.

Breakthrough Genomics
Classification: Benign. Review status: criteria provided, single submitter. Criteria: ACMG Guidelines, 2015. Collection method: not provided. Allele origin: germline. Inheritance: Autosomal recessive inheritance. Affected: yes.

PreventionGenetics, part of Exact Sciences
Classification: Benign for BSCL2-related condition. Last evaluated: 2019-06-05. Review status: no assertion criteria provided. Collection method: clinical testing. Allele origin: germline. Not counted in ClinVar's aggregate classification.
Comment: This variant is classified as benign based on ACMG/AMP sequence variant interpretation guidelines (Richards et al. 2015 PMID: 25741868, with internal and published modifications).

NM_001122955.4(BSCL2):c.1153+26C>T

Genes: BSCL2 (BSCL2 lipid droplet biogenesis associated, seipin; minus strand), HNRNPUL2-BSCL2 (HNRNPUL2-BSCL2 readthrough (NMD candidate); minus strand). Cytogenetic location: 11q12.3.
Variant type: single nucleotide variant.
Coding change: c.1153+26C>T on transcript NM_001122955.4 (MANE Select); 26 bases into the intron after coding-DNA position 1153, C replaced by T.
Molecular consequence: intron variant.
Genome position (GRCh38, 1-based): chr11:62,690,761, G>A on the plus strand (C>T on the coding strand, the complement: BSCL2 is on the minus strand). VCF-style: chr11-62690761-G-A. GRCh37 (hg19) VCF-style: chr11-62458233-G-A.
Other names: p.?; c.819+26C>T (NM_001130702.2); c.961+26C>T (NM_032667.6); c.1153+26C>T (NM_001386028.1, NM_001122955.3); c.1159+26C>T (NM_001386027.1).
Identifiers: ClinVar variation 1272580 (VCV001272580.5), dbSNP rs76184645, ClinGen allele CA6053311.